The following is an entry in ClinVar:

NM_031407.7(HUWE1):c.10953G>T (p.Glu3651Asp)

Gene: HUWE1 (HECT, UBA and WWE domain containing E3 ubiquitin protein ligase 1; minus strand). Cytogenetic location: Xp11.22.
Variant type: single nucleotide variant.
Coding change: c.10953G>T on transcript NM_031407.7 (MANE Select); coding-DNA position 10953, G replaced by T.
Protein change: p.Glu3651Asp; replaces glutamic acid 3651 with aspartic acid.
Molecular consequence: missense variant.
Genome position (GRCh38, 1-based): chrX:53,545,124, C>A on the plus strand (G>T on the coding strand, the complement: HUWE1 is on the minus strand). VCF-style: chrX-53545124-C-A. GRCh37 (hg19) VCF-style: chrX-53572085-C-A.
Other names: short protein forms E3651D.
Identifiers: ClinVar variation 3634918 (VCV003634918.2).

ClinVar aggregate classification (germline): Uncertain significance (1 of 4 stars; one submission).

gnomAD v4.1: 1 of 1,210,305 alleles (0.000083%); no homozygotes.

Submission:

Labcorp Genetics (formerly Invitae), Labcorp
Classification: Uncertain significance. Last evaluated: 2025-02-13. Review status: criteria provided, single submitter. Criteria: Invitae Variant Classification Sherloc (09022015). Collection method: clinical testing. Allele origin: germline.
Comment: This sequence change replaces glutamic acid, which is acidic and polar, with aspartic acid, which is acidic and polar, at codon 3651 of the HUWE1 protein (p.Glu3651Asp). This variant is not present in population databases (gnomAD no frequency). This variant has not been reported in the literature in individuals affected with HUWE1-related conditions. Invitae Evidence Modeling of protein sequence and biophysical properties (such as structural, functional, and spatial information, amino acid conservation, physicochemical variation, residue mobility, and thermodynamic stability) has been performed for this missense variant. However, the output from this modeling did not meet the statistical confidence thresholds required to predict the impact of this variant on HUWE1 protein function. In summary, the available evidence is currently insufficient to determine the role of this variant in disease. Therefore, it has been classified as a Variant of Uncertain Significance.